The following is an entry in ClinVar:

NM_001083614.2(EARS2):c.1107G>T (p.Arg369Ser)

Gene: EARS2 (glutamyl-tRNA synthetase 2, mitochondrial; minus strand). Cytogenetic location: 16p12.2.
Variant type: single nucleotide variant.
Coding change: c.1107G>T on transcript NM_001083614.2 (MANE Select); coding-DNA position 1107, G replaced by T.
Protein change: p.Arg369Ser; replaces arginine 369 with serine.
Molecular consequence: missense variant. On other transcripts: non-coding transcript variant (1).
Genome position (GRCh38, 1-based): chr16:23,529,858, C>A on the plus strand (G>T on the coding strand, the complement: EARS2 is on the minus strand). VCF-style: chr16-23529858-C-A. GRCh37 (hg19) VCF-style: chr16-23541179-C-A.
Other names: c.1107G>T, p.Arg369Ser (NM_001308211.1, NM_133451.1); short protein forms R369S.
Identifiers: ClinVar variation 2175112 (VCV002175112.4), dbSNP rs779595575, ClinGen allele CA7962403.

ClinVar aggregate classification (germline): Uncertain significance (1 of 4 stars; one submission).

Allele frequency attached by ClinVar (database versions not stated): gnomAD exomes below 0.00001; ExAC 0.00001.
gnomAD v4.1: 2 of 1,614,202 alleles (0.00012%); highest among the groups gnomAD compares: South Asian, 0.0011%; no homozygotes.

Submission:

Labcorp Genetics (formerly Invitae), Labcorp
Classification: Uncertain significance. Last evaluated: 2023-07-21. Review status: criteria provided, single submitter. Criteria: Invitae Variant Classification Sherloc (09022015). Collection method: clinical testing. Allele origin: germline.
Comment: This sequence change replaces arginine, which is basic and polar, with serine, which is neutral and polar, at codon 369 of the EARS2 protein (p.Arg369Ser). This variant is present in population databases (rs779595575, gnomAD 0.003%). This variant has not been reported in the literature in individuals affected with EARS2-related conditions. ClinVar contains an entry for this variant (Variation ID: 2175112). Advanced modeling of protein sequence and biophysical properties (such as structural, functional, and spatial information, amino acid conservation, physicochemical variation, residue mobility, and thermodynamic stability) has been performed at Invitae for this missense variant, however the output from this modeling did not meet the statistical confidence thresholds required to predict the impact of this variant on EARS2 protein function. In summary, the available evidence is currently insufficient to determine the role of this variant in disease. Therefore, it has been classified as a Variant of Uncertain Significance.